The following is an entry in ClinVar:

ClinVar aggregate classification (germline): Uncertain significance (1 of 4 stars; one submission).

Conditions:
Cornelia de Lange syndrome 5 (CDLS5). Also called: HDAC8-Related Cornelia de Lange Syndrome. Identifiers: Orphanet 199, MedGen C3550903, MONDO:0010471, OMIM 300882.

Submission:

Juno Genomics, Hangzhou Juno Genomics, Inc
Classification: Uncertain significance for Cornelia de Lange syndrome 5. Review status: criteria provided, single submitter. Criteria: ACMG Guidelines, 2015. Collection method: clinical testing. Allele origin: germline. Affected: yes.
Comment: Absent from controls (or at extremely low frequency if recessive) in Genome Aggregation Database, Exome Sequencing Project, 1000 Genomes Project, or Exome Aggregation Consortium.;Multiple lines of computational evidence support a deleterious effect on the gene or gene product (conservation, evolutionary, splicing impact, etc).

NM_018486.3(HDAC8):c.895C>T (p.Leu299Phe)

Gene: HDAC8 (histone deacetylase 8; minus strand). Cytogenetic location: Xq13.1.
Variant type: single nucleotide variant.
Coding change: c.895C>T on transcript NM_018486.3 (MANE Select); coding-DNA position 895, C replaced by T.
Protein change: p.Leu299Phe; replaces leucine 299 with phenylalanine.
Molecular consequence: missense variant. On other transcripts: non-coding transcript variant (1).
Genome position (GRCh38, 1-based): chrX:72,464,574, G>A on the plus strand (C>T on the coding strand, the complement: HDAC8 is on the minus strand). VCF-style: chrX-72464574-G-A. GRCh37 (hg19) VCF-style: chrX-71684424-G-A.
Other names: c.817C>T, p.Leu273Phe (NM_001410727.1); c.622C>T, p.Leu208Phe (NM_001410728.1, NM_001166418.2); c.895C>T, p.Leu299Phe (NM_001410729.1, NM_001410725.1); short protein forms L208F, L273F, L299F.
Identifiers: ClinVar variation 3381945 (VCV003381945.2).
Genomic context (GRCh38, chrX:72,464,574, plus strand): 5'-GTGGAGGAAGGTCAACAAATTCTGGTAACCTTCCTTTATACTCACCTCCTCCCAAAATGA[G>A]TGTTGCCAACTGCCATTGAAGGATGTACTTAAGACACTTGCCAATTCCCACTGGAGTCAT-3'
Protein context (NP_060956.1, residues 289-309): KYILQWQLAT[Leu299Phe]ILGGGGYNLA